The following is an entry in ClinVar:

NM_024649.5(BBS1):c.637G>A (p.Glu213Lys)

Gene: BBS1 (Bardet-Biedl syndrome 1; plus strand). Cytogenetic location: 11q13.2.
Variant type: single nucleotide variant.
Coding change: c.637G>A on transcript NM_024649.5 (MANE Select); coding-DNA position 637, G replaced by A.
Protein change: p.Glu213Lys; replaces glutamic acid 213 with lysine.
Molecular consequence: missense variant.
Genome position (GRCh38, 1-based): chr11:66,519,662, G>A. VCF-style: chr11-66519662-G-A. GRCh37 (hg19) VCF-style: chr11-66287133-G-A.
Other names: short protein forms E213K.
Identifiers: ClinVar variation 3352942 (VCV003352942.2).

ClinVar aggregate classification (germline): Uncertain significance (1 of 4 stars; one submission).

Conditions:
BBS1-related disorder. Also called: BBS1-related condition.

gnomAD v4.1: 11 of 1,613,762 alleles (0.00068%); highest among the groups gnomAD compares: Non-Finnish European, 0.00093%; no homozygotes.

Submission:

PreventionGenetics, part of Exact Sciences
Classification: Uncertain significance for BBS1-related condition. Last evaluated: 2026-01-07. Review status: criteria provided, single submitter. Criteria: ACMG Guidelines, 2015. Collection method: clinical testing. Allele origin: germline.
Comment: The BBS1 c.637G>A variant is predicted to result in the amino acid substitution p.Glu213Lys. To our knowledge, this variant has not been reported in the literature. This variant is reported in 0.00088% of alleles in individuals of European (Non-Finnish) descent in gnomAD. At this time, the clinical significance of this variant is uncertain due to the absence of conclusive functional and genetic evidence.